The following is an entry in ClinVar:

ClinVar aggregate classification (germline): Uncertain significance (1 of 4 stars; one submission).

Allele frequency attached by ClinVar (database versions not stated): gnomAD exomes below 0.00001.
gnomAD v4.1: 2 of 1,610,894 alleles (0.00012%); highest among the groups gnomAD compares: Non-Finnish European, 0.00017%; no homozygotes.

Submission:

Labcorp Genetics (formerly Invitae), Labcorp
Classification: Uncertain significance. Last evaluated: 2022-04-09. Review status: criteria provided, single submitter. Criteria: Invitae Variant Classification Sherloc (09022015). Collection method: clinical testing. Allele origin: germline.
Comment: In summary, the available evidence is currently insufficient to determine the role of this variant in disease. Therefore, it has been classified as a Variant of Uncertain Significance. Algorithms developed to predict the effect of sequence changes on RNA splicing suggest that this variant may create or strengthen a splice site. Algorithms developed to predict the effect of missense changes on protein structure and function are either unavailable or do not agree on the potential impact of this missense change (SIFT: "Deleterious"; PolyPhen-2: "Benign"; Align-GVGD: "Class C15"). This variant has not been reported in the literature in individuals affected with RAB28-related conditions. This variant is not present in population databases (gnomAD no frequency). This sequence change replaces arginine, which is basic and polar, with glycine, which is neutral and non-polar, at codon 195 of the RAB28 protein (p.Arg195Gly).

NM_004249.4(RAB28):c.583A>G (p.Arg195Gly)

Gene: RAB28 (RAB28, member RAS oncogene family; minus strand). Cytogenetic location: 4p15.33.
Variant type: single nucleotide variant.
Coding change: c.583A>G on transcript NM_004249.4 (MANE Plus Clinical); coding-DNA position 583, A replaced by G.
Protein change: p.Arg195Gly; replaces arginine 195 with glycine.
Molecular consequence: missense variant. On other transcripts: intron variant (2).
Genome position (GRCh38, 1-based): chr4:13,369,956, T>C on the plus strand (A>G on the coding strand, the complement: RAB28 is on the minus strand). VCF-style: chr4-13369956-T-C. GRCh37 (hg19) VCF-style: chr4-13371580-T-C.
Other names: c.574-1306A>G (NM_001017979.3); c.*32-1306A>G (NM_001159601.2); short protein forms R195G.
Identifiers: ClinVar variation 2123484 (VCV002123484.4), dbSNP rs2474572752, ClinGen allele CA356404488.